The following is an entry in ClinVar:

ClinVar aggregate classification (germline): Uncertain significance (1 of 4 stars; one submission).

Conditions:
Gorlin syndrome. Also called: Nevoid Basal Cell Carcinoma Syndrome; Basal cell nevus syndrome. Identifiers: Orphanet 377, MedGen C0004779, MONDO:0007187.

Submission:

Labcorp Genetics (formerly Invitae), Labcorp
Classification: Uncertain significance for Gorlin syndrome. Last evaluated: 2023-10-23. Review status: criteria provided, single submitter. Criteria: Invitae Variant Classification Sherloc (09022015). Collection method: clinical testing. Allele origin: germline.
Comment: This sequence change replaces proline, which is neutral and non-polar, with serine, which is neutral and polar, at codon 702 of the PTCH1 protein (p.Pro702Ser). This variant is not present in population databases (gnomAD no frequency). This variant has not been reported in the literature in individuals affected with PTCH1-related conditions. ClinVar contains an entry for this variant (Variation ID: 1387982). Advanced modeling of protein sequence and biophysical properties (such as structural, functional, and spatial information, amino acid conservation, physicochemical variation, residue mobility, and thermodynamic stability) performed at Invitae indicates that this missense variant is not expected to disrupt PTCH1 protein function with a negative predictive value of 95%. In summary, the available evidence is currently insufficient to determine the role of this variant in disease. Therefore, it has been classified as a Variant of Uncertain Significance.

NM_000264.5(PTCH1):c.2104C>T (p.Pro702Ser)

Genes: PTCH1 (patched 1; minus strand), LOC100507346 (uncharacterized LOC100507346; plus strand). Cytogenetic location: 9q22.32.
Variant type: single nucleotide variant.
Coding change: c.2104C>T on transcript NM_000264.5 (MANE Select); coding-DNA position 2104, C replaced by T.
Protein change: p.Pro702Ser; replaces proline 702 with serine.
Molecular consequence: missense variant. On other transcripts: non-coding transcript variant (2).
Genome position (GRCh38, 1-based): chr9:95,468,897, G>A on the plus strand (C>T on the coding strand, the complement: PTCH1 is on the minus strand). VCF-style: chr9-95468897-G-A. GRCh37 (hg19) VCF-style: chr9-98231179-G-A.
Other names: c.1906C>T, p.Pro636Ser (NM_001083602.3); c.2101C>T, p.Pro701Ser (NM_001083603.3); c.1651C>T, p.Pro551Ser (NM_001083604.3, NM_001083605.3, NM_001083606.3 and 1 more transcripts); c.1948C>T, p.Pro650Ser (NM_001354918.2); short protein forms P650S, P551S, P636S, P701S, P702S.
Identifiers: ClinVar variation 1387982 (VCV001387982.6), dbSNP rs2118037487, ClinGen allele CA374115648.